The following is an entry in ClinVar:

NM_002860.4(ALDH18A1):c.1227dup (p.Asp410fs)

Gene: ALDH18A1 (aldehyde dehydrogenase 18 family member A1; minus strand). Cytogenetic location: 10q24.1.
Variant type: Duplication.
Coding change: c.1227dup on transcript NM_002860.4 (MANE Select); coding-DNA position 1227, one base duplicated (A; older notation c.1227dupA).
Protein change: p.Asp410fs; shifts the reading frame from aspartic acid 410.
Molecular consequence: frameshift variant.
Genome position (GRCh38, 1-based): chr10:95,625,381, T duplicated on the plus strand (A on the coding strand, the reverse complement: ALDH18A1 is on the minus strand); the first of 6 consecutive T bases (chr10:95,625,381-95,625,386); duplicating any one gives the same sequence. VCF-style (leftmost placement, unchanged base first): chr10-95625380-C-CT. GRCh37 (hg19) VCF-style: chr10-97385137-C-CT.
Other names: c.1221dup, p.Asp408fs (NM_001017423.2, NM_001323415.2); c.894dup, p.Asp299fs (NM_001323412.2, NM_001323416.2); c.1227dup, p.Asp410fs (NM_001323413.2, NM_001323414.2); c.1122dup, p.Asp375fs (NM_001323417.2); c.888dup, p.Asp297fs (NM_001323418.2); c.591dup, p.Asp198fs (NM_001323419.2); short protein forms D198fs, D299fs, D410fs, D375fs, D408fs, D297fs.
Identifiers: ClinVar variation 2939892 (VCV002939892.3), dbSNP rs2526811415, ClinGen allele CA2740093489.
Genomic context (GRCh38, chr10:95,625,380, plus strand): 5'-ACACCCCTCCACAACATTGACTTTAAATTGCCTGGTCTTTACCCTCTGCCTCCTCCAAGT[C>CT]TTTTTTGTTGGCTAACAGGATCTCATCACGCTGGTCCGTCAACAGATCAGCCAGATGATG-3'

ClinVar aggregate classification (germline): Pathogenic (1 of 4 stars; one submission).

Conditions:
Cutis laxa, autosomal dominant 3 (ADCL3). Identifiers: Orphanet 90348, MedGen C4225268, MONDO:0014706, OMIM 616603.
Autosomal dominant spastic paraplegia type 9. Identifiers: MedGen C1832669, MONDO:0015091.
de Barsy syndrome. Also called: Cutis laxa-corneal clouding-oligophrenia syndrome. Identifiers: Orphanet 2962, MedGen C0268354, MONDO:0017569.

Submission:

Labcorp Genetics (formerly Invitae), Labcorp
Classification: Pathogenic for Autosomal dominant spastic paraplegia type 9; de Barsy syndrome; Cutis laxa, autosomal dominant 3. Last evaluated: 2023-03-12. Review status: criteria provided, single submitter. Criteria: Invitae Variant Classification Sherloc (09022015). Collection method: clinical testing. Allele origin: germline.
Comment: This variant is not present in population databases (gnomAD no frequency). This variant has not been reported in the literature in individuals affected with ALDH18A1-related conditions. For these reasons, this variant has been classified as Pathogenic. This sequence change creates a premature translational stop signal (p.Asp410Argfs*72) in the ALDH18A1 gene. It is expected to result in an absent or disrupted protein product. Loss-of-function variants in ALDH18A1 are known to be pathogenic (PMID: 21739576, 24913064, 28567303, 28604674, 29915212).

Literature cited by the submitters: PubMed 21739576; PubMed 24913064; PubMed 28567303; PubMed 28604674; PubMed 29915212.